The following is an entry in ClinVar:

ClinVar aggregate classification (germline): Uncertain significance. Review status: criteria provided, multiple submitters, no conflicts (2 of 4 stars). 2 submissions from 2 submitters: Uncertain significance (2). Last evaluated 2026-06-24.

Conditions:
Inborn genetic diseases. Identifiers: MedGen C0950123, MeSH D030342.
COG4-congenital disorder of glycosylation. Also called: COG4-CDG; CONGENITAL DISORDER OF GLYCOSYLATION, TYPE IIj; CDG IIj. Identifiers: Orphanet 263501, MedGen C4303552, MONDO:0013281, OMIM 613489.

gnomAD v4.1: 24 of 1,613,928 alleles (0.0015%); highest among the groups gnomAD compares: African/African-American, 0.0093%; no homozygotes.

Submissions (2):

Ambry Genetics
Classification: Uncertain significance for Inborn genetic diseases. Last evaluated: 2026-06-24. Review status: criteria provided, single submitter. Criteria: Ambry Variant Classification Scheme 2023. Collection method: clinical testing. Allele origin: germline.
Comment: The c.767T>C (p.L256P) alteration is located in exon 6 (coding exon 6) of the COG4 gene. This alteration results from a T to C substitution at nucleotide position 767, causing the leucine (L) at amino acid position 256 to be replaced by a proline (P). Based on data from gnomAD, the C allele has an overall frequency of 0.002% (6/282708) total alleles studied. The highest observed frequency was 0.02% (5/24948) of African alleles. Based on insufficient or conflicting evidence, the clinical significance of this alteration remains unclear.

Department of Pathology and Laboratory Medicine, Sinai Health System
Classification: Uncertain significance for COG4-congenital disorder of glycosylation. Last evaluated: 2022-06-01. Review status: criteria provided, single submitter. Criteria: ACMG Guidelines, 2015. Collection method: research. Allele origin: germline.

NM_015386.3(COG4):c.767T>C (p.Leu256Pro)

Gene: COG4 (component of oligomeric golgi complex 4; minus strand). Cytogenetic location: 16q22.1.
Variant type: single nucleotide variant.
Coding change: c.767T>C on transcript NM_015386.3 (MANE Select); coding-DNA position 767, T replaced by C.
Protein change: p.Leu256Pro; replaces leucine 256 with proline.
Molecular consequence: missense variant. On other transcripts: non-coding transcript variant (1).
Genome position (GRCh38, 1-based): chr16:70,509,993, A>G on the plus strand (T>C on the coding strand, the complement: COG4 is on the minus strand). VCF-style: chr16-70509993-A-G. GRCh37 (hg19) VCF-style: chr16-70543896-A-G.
Other names: c.767T>C (NM_015386.2); c.755T>C, p.Leu252Pro (NM_001195139.2); c.341T>C, p.Leu114Pro (NM_001365426.1); short protein forms L114P, L252P, L256P.
Identifiers: ClinVar variation 3779113 (VCV003779113.2).
Genomic context (GRCh38, chr16:70,509,993, plus strand): 5'-AGTGTATCTGCAAAGATGACTGCAGCTCTCCGATCACTCATGTCTGTCCCCAGCACCATG[A>G]GCAGATTCTCCTCAGCTTTACTGGCCACCTAAAAAAGGAGAAAACCCACACACATTCCTC-3'
Protein context (NP_056201.2, residues 246-266): QVASKAEENL[Leu256Pro]MVLGTDMSDR